The following is an entry in ClinVar:

NM_015346.4(ZFYVE26):c.4816del (p.Asp1606fs)

Gene: ZFYVE26 (zinc finger FYVE-type containing 26; minus strand). Cytogenetic location: 14q24.1.
Variant type: Deletion.
Coding change: c.4816del on transcript NM_015346.4 (MANE Select); coding-DNA position 4816, one base deleted (G; older notation c.4816delG).
Protein change: p.Asp1606fs; shifts the reading frame from aspartic acid 1606.
Molecular consequence: frameshift variant.
Genome position (GRCh38, 1-based): chr14:67,777,717, C deleted on the plus strand (G on the coding strand, the reverse complement: ZFYVE26 is on the minus strand). VCF-style (leftmost placement, unchanged base first): chr14-67777716-TC-T. GRCh37 (hg19) VCF-style: chr14-68244433-TC-T.
Other names: short protein forms D1606fs.
Identifiers: ClinVar variation 5014225 (VCV005014225.1).

ClinVar aggregate classification (germline): Pathogenic (1 of 4 stars; one submission).

Conditions:
Hereditary spastic paraplegia 15 (SPG15). Also called: SPASTIC PARAPLEGIA 15, AUTOSOMAL RECESSIVE; KJELLIN SYNDROME; SPASTIC PARAPLEGIA AND RETINAL DEGENERATION. Identifiers: Orphanet 100996, MedGen C1849128, MONDO:0010044, OMIM 270700.

Submission:

Myriad Genetics, Inc.
Classification: Pathogenic for Hereditary spastic paraplegia 15. Last evaluated: 2025-03-17. Review status: criteria provided, single submitter. Criteria: Myriad Autosomal Dominant, Autosomal Recessive and X-Linked Classification Criteria (2023). Collection method: clinical testing. Allele origin: unknown.
Comment: NM_015346.3(ZFYVE26):c.4816delG(D1606Tfs*8) is expected to be pathogenic in the context of spastic paraplegia type 15. This variant is predicted to lead to an abnormal or absent protein product due to the creation of a premature termination codon in ZFYVE26, a gene where loss-of-function variants are known to be pathogenic. Please note: this variant was assessed in the context of healthy population screening.